The following is an entry in ClinVar:

NM_006206.6(PDGFRA):c.2323+5A>C

Gene: PDGFRA (platelet derived growth factor receptor alpha; plus strand). Cytogenetic location: 4q12.
Variant type: single nucleotide variant.
Coding change: c.2323+5A>C on transcript NM_006206.6 (MANE Select); 5 bases into the intron after coding-DNA position 2323, A replaced by C.
Molecular consequence: intron variant.
Genome position (GRCh38, 1-based): chr4:54,280,487, A>C. VCF-style: chr4-54280487-A-C. GRCh37 (hg19) VCF-style: chr4-55146654-A-C.
Other names: c.2398+5A>C (NM_001347828.2); c.2323+5A>C (NM_001347827.2, NM_001347829.2); c.2362+5A>C (NM_001347830.2).
Identifiers: ClinVar variation 953542 (VCV000953542.10), dbSNP rs1724017509, ClinGen allele CA1139658504.
Genomic context (GRCh38, chr4:54,280,487, plus strand): 5'-CATCCAGAGATCACTCTATGATCGTCCAGCCTCATATAAGAAGAAATCTATGTTAGGTAA[A>C]AGTGTCTATACTCACTCTGGGTGTTGGGACTTTCCAGTGGTTTAATATGATACTTAAAGT-3'

ClinVar aggregate classification (germline): Uncertain significance (1 of 4 stars; one submission).

Conditions:
Gastrointestinal stromal tumor. Also called: Gastrointestinal stromal tumor, somatic; Gastrointestinal stroma tumor. Identifiers: Orphanet 44890, MedGen C0238198, MeSH D046152, MONDO:0011719, OMIM 606764, HP:0100723.

Submission:

Labcorp Genetics (formerly Invitae), Labcorp
Classification: Uncertain significance for Gastrointestinal stromal tumor. Last evaluated: 2022-02-08. Review status: criteria provided, single submitter. Criteria: Invitae Variant Classification Sherloc (09022015). Collection method: clinical testing. Allele origin: germline.
Comment: In summary, the available evidence is currently insufficient to determine the role of this variant in disease. Therefore, it has been classified as a Variant of Uncertain Significance. Variants that disrupt the consensus splice site are a relatively common cause of aberrant splicing (PMID: 17576681, 9536098). Algorithms developed to predict the effect of sequence changes on RNA splicing suggest that this variant is not likely to affect RNA splicing. This sequence change falls in intron 16 of the PDGFRA gene. It does not directly change the encoded amino acid sequence of the PDGFRA protein. It affects a nucleotide within the consensus splice site. This variant is not present in population databases (gnomAD no frequency). This variant has not been reported in the literature in individuals affected with PDGFRA-related conditions. ClinVar contains an entry for this variant (Variation ID: 953542).

Literature cited by the submitters: PubMed 17576681; PubMed 9536098.